The following is an entry in ClinVar:

ClinVar aggregate classification (germline): Likely pathogenic (1 of 4 stars; one submission).

Submission:

Labcorp Genetics (formerly Invitae), Labcorp
Classification: Likely pathogenic. Last evaluated: 2022-11-11. Review status: criteria provided, single submitter. Criteria: Invitae Variant Classification Sherloc (09022015). Collection method: clinical testing. Allele origin: germline.
Comment: In summary, the currently available evidence indicates that the variant is pathogenic, but additional data are needed to prove that conclusively. Therefore, this variant has been classified as Likely Pathogenic. Algorithms developed to predict the effect of sequence changes on RNA splicing suggest that this variant may disrupt the consensus splice site. This sequence change affects a donor splice site in intron 5 of the CA4 gene. It is expected to disrupt RNA splicing. Variants that disrupt the donor or acceptor splice site typically lead to a loss of protein function (PMID: 16199547), and loss-of-function variants in CA4 are known to be pathogenic (PMID: 33090715). This variant is not present in population databases (gnomAD no frequency). This variant has not been reported in the literature in individuals affected with CA4-related conditions.

Literature cited by the submitters: PubMed 16199547; PubMed 33090715.

NM_000717.5(CA4):c.513+1G>T

Gene: CA4 (carbonic anhydrase 4; plus strand). Cytogenetic location: 17q23.1.
Variant type: single nucleotide variant.
Coding change: c.513+1G>T on transcript NM_000717.5 (MANE Select); the canonical splice donor site of the intron after coding-DNA position 513, G replaced by T.
Molecular consequence: splice donor variant.
Genome position (GRCh38, 1-based): chr17:60,157,789, G>T. VCF-style: chr17-60157789-G-T. GRCh37 (hg19) VCF-style: chr17-58235150-G-T.
Identifiers: ClinVar variation 2193862 (VCV002193862.4), dbSNP rs1465980897, ClinGen allele CA400456845.